The following is an entry in ClinVar:

ClinVar aggregate classification (germline): Pathogenic (1 of 4 stars; one submission).

Submission:

Quest Diagnostics Nichols Institute San Juan Capistrano
Classification: Pathogenic. Last evaluated: 2023-05-05. Review status: criteria provided, single submitter. Criteria: ACMG/ClinGen CNV Guidelines, 2019. Collection method: clinical testing. Allele origin: unknown.
Comment: This deletion involves two protein-coding genes: TFAP2A (OMIM 107580), and exon 1 of (NM_001491.3) of GCNT2 (OMIM 600429). Heterozygous pathogenic variants of TFAP2A are associated with autosomal dominant branchiooculofacial syndrome (BOFS; OMIM 113620) via a proposed loss-of function mechanism (Milunsky 2011). Phenotypic variability between and within families have been noted, reflecting variable expressivity and incomplete penetrance (LeBlanc 2013, Aliferis 2011, Ng 2019). Full gene deletions of TFAP2A may result in a less severe phenotype, although evidence is somewhat conflicting (LeBlanc 2013, Gestri 2009, Milunsky 2008). References: Aliferis et al., Ophthalmic Genet. 2011 Nov;32(4):250-5. PMID: 21728810 Gestri et al., Hum Genet. 2009 Dec;126(6):791-803. PMID: 19685247 LeBlanc et al., Am J Med Genet A. 2013 Apr;161A(4):901-4. PMID: 23495225 Lin et al., GeneReviews. 2018 Mar. [Internet]. Seattle (WA): University of Washington, Seattle. PMID: 21634087 Milunsky et al., Am J Hum Genet. 2008 May;82(5):1171-7. PMID: 18423521 Milunsky et al., Am J Med Genet A. 2011 Jan;155A(1):22-32. PMID: 21204207 Ng et al., Clin Dysmorphol. 2019 Oct;28(4):215-218. PMID: 31490282

GRCh37/hg19 6p24.3(chr6:10099993-10564232)x1

Genes: GCNT2 (glucosaminyl (N-acetyl) transferase 2 (I blood group); plus strand), TFAP2A (transcription factor AP-2 alpha; minus strand). Cytogenetic location: 6p24.3.
Variant type: copy number loss.
Change: copy number 1 (one copy instead of two) of chr6:10,099,993-10,564,232 (464.2 kb, GRCh37 coordinates, 1-based), cytogenetic band 6p24.3.
Identifiers: ClinVar variation 2685194 (VCV002685194.1).